The following is an entry in ClinVar:

NM_152564.5(VPS13B):c.3154A>T (p.Arg1052Ter)

Gene: VPS13B (vacuolar protein sorting 13 homolog B; plus strand). Cytogenetic location: 8q22.2.
Variant type: single nucleotide variant.
Coding change: c.3154A>T on transcript NM_152564.5 (MANE Select); coding-DNA position 3154, A replaced by T.
Protein change: p.Arg1052Ter; replaces arginine 1052 with a stop codon.
Molecular consequence: nonsense.
Genome position (GRCh38, 1-based): chr8:99,431,608, A>T. VCF-style: chr8-99431608-A-T. GRCh37 (hg19) VCF-style: chr8-100443836-A-T.
Other names: c.3154A>T, p.Arg1052Ter (NM_017890.5); short protein forms R1052*.
Identifiers: ClinVar variation 1725426 (VCV001725426.2), dbSNP rs2490099417, ClinGen allele CA371868168.

ClinVar aggregate classification (germline): Likely pathogenic (1 of 4 stars; one submission).

Conditions:
Cohen syndrome (COH1). Also called: PEPPER SYNDROME; Cutis verticis gyrata, retinitis pigmentosa, and sensorineural deafness. Identifiers: Orphanet 193, MedGen C0265223, MONDO:0008999, OMIM 216550.

Submission:

Myriad Genetics, Inc.
Classification: Likely pathogenic for Cohen syndrome. Last evaluated: 2022-03-20. Review status: criteria provided, single submitter. Criteria: Myriad Women's Health Autosomal Recessive and X-Linked Classification Criteria (2021). Collection method: clinical testing. Allele origin: unknown.
Comment: NM_017890.4(VPS13B):c.3154A>T(R1052*) is expected to be pathogenic in the context of Cohen syndrome. This variant is predicted to lead to an abnormal or absent protein product due to the creation of a premature termination codon in VPS13B, a gene where loss-of-function variants are known to be pathogenic. Please note: this variant was assessed in the context of healthy population screening.